The following is an entry in ClinVar:

ClinVar aggregate classification (germline): Uncertain significance (1 of 4 stars; one submission).

Submission:

Ambry Genetics
Classification: Uncertain significance. Last evaluated: 2025-04-25. Review status: criteria provided, single submitter. Criteria: Ambry Variant Classification Scheme 2023. Collection method: clinical testing. Allele origin: germline.
Comment: The p.E776A variant (also known as c.2327A>C), located in coding exon 9 of the RNF43 gene, results from an A to C substitution at nucleotide position 2327. The glutamic acid at codon 776 is replaced by alanine, an amino acid with dissimilar properties. This amino acid position is conserved. In addition, this alteration is predicted to be tolerated by in silico analysis. Based on the available evidence, the clinical significance of this variant remains unclear.

NM_017763.6(RNF43):c.2327A>C (p.Glu776Ala)

Gene: RNF43 (ring finger protein 43; minus strand). Cytogenetic location: 17q22.
Variant type: single nucleotide variant.
Coding change: c.2327A>C on transcript NM_017763.6 (MANE Select); coding-DNA position 2327, A replaced by C.
Protein change: p.Glu776Ala; replaces glutamic acid 776 with alanine.
Molecular consequence: missense variant.
Genome position (GRCh38, 1-based): chr17:58,354,968, T>G on the plus strand (A>C on the coding strand, the complement: RNF43 is on the minus strand). VCF-style: chr17-58354968-T-G. GRCh37 (hg19) VCF-style: chr17-56432329-T-G.
Other names: c.2327A>C, p.Glu776Ala (NM_001305544.3); c.1946A>C, p.Glu649Ala (NM_001305545.2); short protein forms E776A, E649A.
Identifiers: ClinVar variation 3946870 (VCV003946870.1).